The following is an entry in ClinVar:

NM_001291303.3(FAT4):c.5264A>G (p.Asp1755Gly)

Gene: FAT4 (FAT atypical cadherin 4; plus strand). Cytogenetic location: 4q28.1.
Variant type: single nucleotide variant.
Coding change: c.5264A>G on transcript NM_001291303.3 (MANE Select); coding-DNA position 5264, A replaced by G.
Protein change: p.Asp1755Gly; replaces aspartic acid 1755 with glycine.
Molecular consequence: missense variant.
Genome position (GRCh38, 1-based): chr4:125,398,872, A>G. VCF-style: chr4-125398872-A-G. GRCh37 (hg19) VCF-style: chr4-126320027-A-G.
Other names: c.5264A>G, p.Asp1755Gly (NM_001291285.3, NM_024582.6); short protein forms D1755G.
Identifiers: ClinVar variation 3901610 (VCV003901610.1).

ClinVar aggregate classification (germline): Uncertain significance (1 of 4 stars; one submission).

Submission:

GeneDx
Classification: Uncertain significance. Last evaluated: 2024-11-23. Review status: criteria provided, single submitter. Criteria: GeneDx Variant Classification Process June 2021. Collection method: clinical testing. Allele origin: germline. Affected: yes.
Comment: Not observed at significant frequency in large population cohorts (gnomAD); In silico analysis indicates that this missense variant does not alter protein structure/function; Has not been previously published as pathogenic or benign to our knowledge